The following is an entry in ClinVar:

NM_002718.5(PPP2R3A):c.333T>C (p.Asp111=)

Gene: PPP2R3A (protein phosphatase 2 regulatory subunit B''alpha; plus strand). Cytogenetic location: 3q22.3.
Variant type: single nucleotide variant.
Coding change: c.333T>C on transcript NM_002718.5 (MANE Select); coding-DNA position 333, T replaced by C.
Protein change: p.Asp111=; no amino-acid change (aspartic acid 111 retained).
Molecular consequence: synonymous variant. On other transcripts: intron variant (1).
Genome position (GRCh38, 1-based): chr3:136,001,831, T>C. VCF-style: chr3-136001831-T-C. GRCh37 (hg19) VCF-style: chr3-135720673-T-C.
Other names: c.-213-25001T>C (NM_001190447.2).
Identifiers: ClinVar variation 3055572 (VCV003055572.2), dbSNP rs9872542, ClinGen allele CA2630387.

ClinVar aggregate classification (germline): Benign (0 of 4 stars; one submission).

Conditions:
PPP2R3A-related disorder. Also called: PPP2R3A-related condition.

Allele frequency attached by ClinVar (database versions not stated): 1000 Genomes Project 0.18690; 1000 Genomes Project 30x 0.19129; TOPMed 0.25628; gnomAD 0.26612; ExAC 0.26987; ESP Exome Variant Server 0.28199; gnomAD exomes 0.30476.
gnomAD v4.1: 485,301 of 1,613,946 alleles (30%); highest among the groups gnomAD compares: Non-Finnish European, 32%; 76,651 homozygotes.

Submission:

PreventionGenetics, part of Exact Sciences
Classification: Benign for PPP2R3A-related condition. Last evaluated: 2019-10-30. Review status: no assertion criteria provided. Collection method: clinical testing. Allele origin: germline.
Comment: This variant is classified as benign based on ACMG/AMP sequence variant interpretation guidelines (Richards et al. 2015 PMID: 25741868, with internal and published modifications).